The following is an entry in ClinVar:

ClinVar aggregate classification (germline): Uncertain significance (1 of 4 stars; one submission).

Conditions:
Glycogen storage disease IXb (GSD9B). Also called: PHOSPHORYLASE KINASE DEFICIENCY OF LIVER AND MUSCLE, AUTOSOMAL RECESSIVE; GLYCOGENOSIS OF LIVER AND MUSCLE, AUTOSOMAL RECESSIVE; GSD IXb. Identifiers: Orphanet 79240, MedGen C0543514, MONDO:0009868, OMIM 261750.

Submission:

Labcorp Genetics (formerly Invitae), Labcorp
Classification: Uncertain significance for Glycogen storage disease IXb. Last evaluated: 2022-07-19. Review status: criteria provided, single submitter. Criteria: Invitae Variant Classification Sherloc (09022015). Collection method: clinical testing. Allele origin: germline.
Comment: This sequence change replaces glutamic acid, which is acidic and polar, with glutamine, which is neutral and polar, at codon 222 of the PHKB protein (p.Glu222Gln). This variant is not present in population databases (gnomAD no frequency). This variant has not been reported in the literature in individuals affected with PHKB-related conditions. ClinVar contains an entry for this variant (Variation ID: 1489955). Algorithms developed to predict the effect of missense changes on protein structure and function (SIFT, PolyPhen-2, Align-GVGD) all suggest that this variant is likely to be tolerated. In summary, the available evidence is currently insufficient to determine the role of this variant in disease. Therefore, it has been classified as a Variant of Uncertain Significance.

NM_000293.3(PHKB):c.664G>C (p.Glu222Gln)

Gene: PHKB (phosphorylase kinase regulatory subunit beta; plus strand). Cytogenetic location: 16q12.1.
Variant type: single nucleotide variant.
Coding change: c.664G>C on transcript NM_000293.3 (MANE Select); coding-DNA position 664, G replaced by C.
Protein change: p.Glu222Gln; replaces glutamic acid 222 with glutamine.
Molecular consequence: missense variant.
Genome position (GRCh38, 1-based): chr16:47,547,502, G>C. VCF-style: chr16-47547502-G-C. GRCh37 (hg19) VCF-style: chr16-47581413-G-C.
Other names: c.643G>C, p.Glu215Gln (NM_001031835.3); c.664G>C, p.Glu222Gln (NM_001363837.1); short protein forms E215Q, E222Q.
Identifiers: ClinVar variation 1489955 (VCV001489955.5), dbSNP rs866677615, ClinGen allele CA395787476.
Genomic context (GRCh38, chr16:47,547,502, plus strand): 5'-ATTCAAAACCTTGTATTTTGTGTGGAAAGAGTTTACCGTGTGCCTGACTTTGGTGTCTGG[G>C]AAAGAGGAAGCAAATATAATAATGGCAGCACAGAGCTACATTCGAGGTAATTTGCTGATT-3'
Protein context (NP_000284.1, residues 212-232): VYRVPDFGVW[Glu222Gln]RGSKYNNGST